The following is an entry in ClinVar:

ClinVar aggregate classification (germline): Uncertain significance. Review status: criteria provided, multiple submitters, no conflicts (2 of 4 stars). 2 submissions from 2 submitters: Uncertain significance (2). Last evaluated 2022-12-01.

Conditions:
Cardiovascular phenotype. Identifiers: MedGen CN230736.

Allele frequency attached by ClinVar (database versions not stated): gnomAD 0.00001; gnomAD exomes 0.00001; TOPMed 0.00002.
gnomAD v4.1: 6 of 1,550,274 alleles (0.00039%); highest among the groups gnomAD compares: East Asian, 0.012%; no homozygotes.

Submissions (2):

Ambry Genetics
Classification: Uncertain significance for Cardiovascular phenotype. Last evaluated: 2022-12-01. Review status: criteria provided, single submitter. Criteria: Ambry Variant Classification Scheme 2023. Collection method: clinical testing. Allele origin: germline.
Comment: The p.A1662D variant (also known as c.4985C>A), located in coding exon 2 of the ZNF469 gene, results from a C to A substitution at nucleotide position 4985. The alanine at codon 1662 is replaced by aspartic acid, an amino acid with dissimilar properties. This amino acid position is conserved. In addition, this alteration is predicted to be tolerated by in silico analysis. Since supporting evidence is limited at this time, the clinical significance of this alteration remains unclear.

Labcorp Genetics (formerly Invitae), Labcorp
Classification: Uncertain significance. Last evaluated: 2021-10-08. Review status: criteria provided, single submitter. Criteria: Invitae Variant Classification Sherloc (09022015). Collection method: clinical testing. Allele origin: germline.
Comment: This sequence change replaces alanine with aspartic acid at codon 1662 of the ZNF469 protein (p.Ala1662Asp). The alanine residue is weakly conserved and there is a moderate physicochemical difference between alanine and aspartic acid. This variant is not present in population databases (ExAC no frequency). This variant has not been reported in the literature in individuals affected with ZNF469-related conditions. Algorithms developed to predict the effect of missense changes on protein structure and function output the following: SIFT: "Deleterious"; PolyPhen-2: "Benign"; Align-GVGD: "Class C0". The aspartic acid amino acid residue is found in multiple mammalian species, which suggests that this missense change does not adversely affect protein function. In summary, the available evidence is currently insufficient to determine the role of this variant in disease. Therefore, it has been classified as a Variant of Uncertain Significance.

NM_001367624.2(ZNF469):c.5069C>A (p.Ala1690Asp)

Gene: ZNF469 (zinc finger protein 469; plus strand). Cytogenetic location: 16q24.2.
Variant type: single nucleotide variant.
Coding change: c.5069C>A on transcript NM_001367624.2 (MANE Select); coding-DNA position 5069, C replaced by A.
Protein change: p.Ala1690Asp; replaces alanine 1690 with aspartic acid.
Molecular consequence: missense variant.
Genome position (GRCh38, 1-based): chr16:88,432,539, C>A. VCF-style: chr16-88432539-C-A. GRCh37 (hg19) VCF-style: chr16-88498947-C-A.
Other names: NM_001127464.1:c.4985C>A; short protein forms A1690D.
Identifiers: ClinVar variation 1385284 (VCV001385284.4), dbSNP rs1230618809, ClinGen allele CA397095150.